The following is an entry in ClinVar:

NM_020461.4(TUBGCP6):c.3288T>G (p.Asp1096Glu)

Gene: TUBGCP6 (tubulin gamma complex component 6; minus strand). Cytogenetic location: 22q13.33.
Variant type: single nucleotide variant.
Coding change: c.3288T>G on transcript NM_020461.4 (MANE Select); coding-DNA position 3288, T replaced by G.
Protein change: p.Asp1096Glu; replaces aspartic acid 1096 with glutamic acid.
Molecular consequence: missense variant.
Genome position (GRCh38, 1-based): chr22:50,221,071, A>C on the plus strand (T>G on the coding strand, the complement: TUBGCP6 is on the minus strand). VCF-style: chr22-50221071-A-C. GRCh37 (hg19) VCF-style: chr22-50659500-A-C.
Other names: short protein forms D1096E.
Identifiers: ClinVar variation 966787 (VCV000966787.9), dbSNP rs6010209, ClinGen allele CA10307997.
Genomic context (GRCh38, chr22:50,221,071, plus strand): 5'-CCTGATGCTGGCGTTGGACACATGTCCATGGATGTTCCACCGTGGCCGAGTGGGAGCCAC[A>C]TCTGACACAGACTCCCCTAAGCTGATGCTGGCATTGGATACGTGTCCGTGGGTGTTCCAC-3'
Protein context (NP_065194.3, residues 1086-1106): ASISLGESVS[Asp1096Glu]VAPTRPRWNI

ClinVar aggregate classification (germline): Conflicting classifications of pathogenicity. Review status: criteria provided, conflicting classifications (1 of 4 stars). 4 submissions from 4 submitters: Uncertain significance (2); Benign (1); Likely benign (1). Last evaluated 2024-09-13.

Conditions:
Inborn genetic diseases. Identifiers: MedGen C0950123, MeSH D030342.
Microcephaly and chorioretinopathy 1. Also called: Microcephaly and chorioretinopathy, autosomal recessive, 1. Identifiers: MedGen C3278481, MONDO:0009624, OMIM 251270.

Allele frequency attached by ClinVar (database versions not stated): gnomAD exomes 0.00003 and 0.00007; TOPMed 0.00037; ESP Exome Variant Server 0.00038; 1000 Genomes Project 0.00040; gnomAD 0.00045 and 0.00046; 1000 Genomes Project 30x 0.00062.
gnomAD v4.1: 101 of 1,528,310 alleles (0.0066%); highest among the groups gnomAD compares: African/African-American, 0.14%; no homozygotes.

Submissions (4):

Blueprint Genetics
Classification: Benign. Last evaluated: 2024-09-13. Review status: criteria provided, single submitter. Criteria: ACMG Guidelines, 2015. Collection method: clinical testing. Allele origin: germline.

Labcorp Genetics (formerly Invitae), Labcorp
Classification: Uncertain significance. Last evaluated: 2023-12-07. Review status: criteria provided, single submitter. Criteria: Invitae Variant Classification Sherloc (09022015). Collection method: clinical testing. Allele origin: germline.
Comment: This sequence change replaces aspartic acid, which is acidic and polar, with glutamic acid, which is acidic and polar, at codon 1096 of the TUBGCP6 protein (p.Asp1096Glu). This variant is present in population databases (rs6010209, gnomAD 0.1%). This variant has not been reported in the literature in individuals affected with TUBGCP6-related conditions. ClinVar contains an entry for this variant (Variation ID: 966787). Algorithms developed to predict the effect of missense changes on protein structure and function output the following: SIFT: "Not Available"; PolyPhen-2: "Benign"; Align-GVGD: "Not Available". The glutamic acid amino acid residue is found in multiple mammalian species, which suggests that this missense change does not adversely affect protein function. In summary, the available evidence is currently insufficient to determine the role of this variant in disease. Therefore, it has been classified as a Variant of Uncertain Significance.

Ambry Genetics
Classification: Likely benign for Inborn genetic diseases. Last evaluated: 2023-05-09. Review status: criteria provided, single submitter. Criteria: Ambry Variant Classification Scheme 2023. Collection method: clinical testing. Allele origin: germline.

Fulgent Genetics
Classification: Uncertain significance for Microcephaly and chorioretinopathy 1. Last evaluated: 2021-08-11. Review status: criteria provided, single submitter. Criteria: ACMG Guidelines, 2015. Collection method: clinical testing. Allele origin: unknown.